The following is an entry in ClinVar:

NM_006642.5(SDCCAG8):c.547-1G>A

Gene: SDCCAG8 (SHH signaling and ciliogenesis regulator SDCCAG8; plus strand). Cytogenetic location: 1q43.
Variant type: single nucleotide variant.
Coding change: c.547-1G>A on transcript NM_006642.5 (MANE Select); the canonical splice acceptor site of the intron before coding-DNA position 547, G replaced by A.
Molecular consequence: splice acceptor variant.
Genome position (GRCh38, 1-based): chr1:243,293,090, G>A. VCF-style: chr1-243293090-G-A. GRCh37 (hg19) VCF-style: chr1-243456392-G-A.
Other names: c.253-1G>A (NM_001350249.2); c.-827-1G>A (NM_001350251.2); c.547-1G>A (NM_001350248.2); c.-566-1G>A (NM_001350246.2); c.-454-1G>A (NM_001350247.2).
Identifiers: ClinVar variation 1066132 (VCV001066132.7), dbSNP rs2070433656, ClinGen allele CA345478019.

ClinVar aggregate classification (germline): Likely pathogenic (1 of 4 stars; one submission).

Conditions:
Senior-Loken syndrome 7 (SLSN7). Identifiers: Orphanet 3156, MedGen C3150877, MONDO:0013326, OMIM 613615.
Bardet-Biedl syndrome 16 (BBS16). Identifiers: Orphanet 110, MedGen C3889474, MONDO:0014444, OMIM 615993.

Allele frequency attached by ClinVar (database versions not stated): TOPMed below 0.00001.

Submission:

Labcorp Genetics (formerly Invitae), Labcorp
Classification: Likely pathogenic for Bardet-Biedl syndrome 16; Senior-Loken syndrome 7. Last evaluated: 2024-01-19. Review status: criteria provided, single submitter. Criteria: Invitae Variant Classification Sherloc (09022015). Collection method: clinical testing. Allele origin: germline.
Comment: This sequence change affects an acceptor splice site in intron 5 of the SDCCAG8 gene. It is expected to disrupt RNA splicing. Variants that disrupt the donor or acceptor splice site typically lead to a loss of protein function (PMID: 16199547), and loss-of-function variants in SDCCAG8 are known to be pathogenic (PMID: 20835237, 22190896). This variant is not present in population databases (gnomAD no frequency). This variant has not been reported in the literature in individuals affected with SDCCAG8-related conditions. ClinVar contains an entry for this variant (Variation ID: 1066132). Algorithms developed to predict the effect of sequence changes on RNA splicing suggest that this variant may disrupt the consensus splice site. In summary, the currently available evidence indicates that the variant is pathogenic, but additional data are needed to prove that conclusively. Therefore, this variant has been classified as Likely Pathogenic.

Literature cited by the submitters: PubMed 16199547; PubMed 20835237; PubMed 22190896.